The following is an entry in ClinVar:

ClinVar aggregate classification (germline): Uncertain significance (1 of 4 stars; one submission).

Allele frequency attached by ClinVar (database versions not stated): TOPMed below 0.00001; gnomAD exomes 0.00001.

Submission:

Labcorp Genetics (formerly Invitae), Labcorp
Classification: Uncertain significance. Last evaluated: 2021-08-01. Review status: criteria provided, single submitter. Criteria: Invitae Variant Classification Sherloc (09022015). Collection method: clinical testing. Allele origin: germline.
Comment: In summary, the available evidence is currently insufficient to determine the role of this variant in disease. Therefore, it has been classified as a Variant of Uncertain Significance. Algorithms developed to predict the effect of missense changes on protein structure and function (SIFT, PolyPhen-2, Align-GVGD) all suggest that this variant is likely to be disruptive. This variant has not been reported in the literature in individuals affected with LAMC3-related conditions. This variant is not present in population databases (ExAC no frequency). This sequence change replaces arginine with cysteine at codon 150 of the LAMC3 protein (p.Arg150Cys). The arginine residue is highly conserved and there is a large physicochemical difference between arginine and cysteine.

NM_006059.4(LAMC3):c.448C>T (p.Arg150Cys)

Gene: LAMC3 (laminin subunit gamma 3; plus strand). Cytogenetic location: 9q34.12.
Variant type: single nucleotide variant.
Coding change: c.448C>T on transcript NM_006059.4 (MANE Select); coding-DNA position 448, C replaced by T.
Protein change: p.Arg150Cys; replaces arginine 150 with cysteine.
Molecular consequence: missense variant.
Genome position (GRCh38, 1-based): chr9:131,026,359, C>T. VCF-style: chr9-131026359-C-T. GRCh37 (hg19) VCF-style: chr9-133901746-C-T.
Other names: short protein forms R150C.
Identifiers: ClinVar variation 1403118 (VCV001403118.4), dbSNP rs1382164788, ClinGen allele CA375252326.
Genomic context (GRCh38, chr9:131,026,359, plus strand): 5'-ATCACGTATGTGAGGCTGAAGTTCCACACCAGTCGCCCTGAGAGCTTTGCCATCTACAAG[C>T]GCAGCCGCGCCGACGGCCCATGGGAGCCCTACCAGTTCTACAGCGCCTCCTGCCAGAAGA-3'
Protein context (NP_006050.3, residues 140-160): SRPESFAIYK[Arg150Cys]SRADGPWEPY